The following is an entry in ClinVar:

ClinVar aggregate classification (germline): Uncertain significance. Review status: criteria provided, multiple submitters, no conflicts (2 of 4 stars). 2 submissions from 2 submitters: Uncertain significance (2). Last evaluated 2025-01-06.

Conditions:
Hereditary cancer-predisposing syndrome. Also called: Hereditary neoplastic syndrome; Tumor predisposition; Neoplastic Syndromes, Hereditary; Hereditary Cancer Syndrome. Identifiers: Orphanet 140162, MedGen C0027672, MeSH D009386, MONDO:0015356.
Oligodontia-cancer predisposition syndrome. Also called: TOOTH AGENESIS-COLORECTAL CANCER SYNDROME. Identifiers: Orphanet 300576, MedGen C1837750, MONDO:0012075, OMIM 608615. Disease mechanism: loss of function.

Submissions (2):

Ambry Genetics
Classification: Uncertain significance for Hereditary cancer-predisposing syndrome. Last evaluated: 2025-01-06. Review status: criteria provided, single submitter. Criteria: Ambry Variant Classification Scheme 2023. Collection method: clinical testing. Allele origin: germline.
Comment: The p.G613R variant (also known as c.1837G>A), located in coding exon 6 of the AXIN2 gene, results from a G to A substitution at nucleotide position 1837. The glycine at codon 613 is replaced by arginine, an amino acid with dissimilar properties. This amino acid position is conserved. In addition, this alteration is predicted to be tolerated by in silico analysis. Based on the available evidence, the clinical significance of this variant remains unclear.

Labcorp Genetics (formerly Invitae), Labcorp
Classification: Uncertain significance for Oligodontia-cancer predisposition syndrome. Last evaluated: 2024-07-09. Review status: criteria provided, single submitter. Criteria: Invitae Variant Classification Sherloc (09022015). Collection method: clinical testing. Allele origin: germline.
Comment: This sequence change replaces glycine, which is neutral and non-polar, with arginine, which is basic and polar, at codon 613 of the AXIN2 protein (p.Gly613Arg). This variant is not present in population databases (gnomAD no frequency). This variant has not been reported in the literature in individuals affected with AXIN2-related conditions. ClinVar contains an entry for this variant (Variation ID: 1346558). Advanced modeling of protein sequence and biophysical properties (such as structural, functional, and spatial information, amino acid conservation, physicochemical variation, residue mobility, and thermodynamic stability) performed at Invitae indicates that this missense variant is not expected to disrupt AXIN2 protein function with a negative predictive value of 80%. In summary, the available evidence is currently insufficient to determine the role of this variant in disease. Therefore, it has been classified as a Variant of Uncertain Significance.

NM_004655.4(AXIN2):c.1837G>A (p.Gly613Arg)

Gene: AXIN2 (axin 2; minus strand). Cytogenetic location: 17q24.1.
Variant type: single nucleotide variant.
Coding change: c.1837G>A on transcript NM_004655.4 (MANE Select); coding-DNA position 1837, G replaced by A.
Protein change: p.Gly613Arg; replaces glycine 613 with arginine.
Molecular consequence: missense variant. On other transcripts: intron variant (1).
Genome position (GRCh38, 1-based): chr17:65,536,939, C>T on the plus strand (G>A on the coding strand, the complement: AXIN2 is on the minus strand). VCF-style: chr17-65536939-C-T. GRCh37 (hg19) VCF-style: chr17-63533057-C-T.
Other names: c.1837G>A (NM_004655.3); c.1712+385G>A (NM_001363813.1); short protein forms G613R.
Identifiers: ClinVar variation 1346558 (VCV001346558.8), dbSNP rs1163092585, ClinGen allele CA400676526.